The following is an entry in ClinVar:

ClinVar aggregate classification (germline): Uncertain significance. Review status: criteria provided, multiple submitters, no conflicts (2 of 4 stars). 2 submissions from 2 submitters: Uncertain significance (2). Last evaluated 2019-03-21.

Conditions:
Bethlem myopathy 1A. Also called: Bethlem myopathy 1; MYOPATHY, BENIGN CONGENITAL, WITH CONTRACTURES; Bethlem Muscular Dystrophy. Identifiers: Orphanet 610, MedGen CN029274, MONDO:0024530, OMIM 158810.

Allele frequency attached by ClinVar (database versions not stated): gnomAD exomes below 0.00001; TOPMed below 0.00001.
gnomAD v4.1: 2 of 1,614,152 alleles (0.00012%); highest among the groups gnomAD compares: Admixed American, 0.0017%; no homozygotes.

Submissions (2):

Revvity Omics, Revvity
Classification: Uncertain significance. Last evaluated: 2019-03-21. Review status: criteria provided, single submitter. Criteria: ACMG Guidelines, 2015. Collection method: clinical testing. Allele origin: germline.

Labcorp Genetics (formerly Invitae), Labcorp
Classification: Uncertain significance for Bethlem myopathy 1A. Last evaluated: 2018-06-29. Review status: criteria provided, single submitter. Criteria: Invitae Variant Classification Sherloc (09022015). Collection method: clinical testing. Allele origin: germline.
Comment: This variant is not present in population databases (ExAC no frequency). In summary, the available evidence is currently insufficient to determine the role of this variant in disease. Therefore, it has been classified as a Variant of Uncertain Significance. Algorithms developed to predict the effect of missense changes on protein structure and function are either unavailable or do not agree on the potential impact of this missense change (SIFT: "Tolerated"; PolyPhen-2: "Possibly Damaging"; Align-GVGD: "Class C0"). This variant has not been reported in the literature in individuals with COL6A3-related disease. This sequence change replaces methionine with threonine at codon 293 of the COL6A3 protein (p.Met293Thr). The methionine residue is weakly conserved and there is a moderate physicochemical difference between methionine and threonine.

NM_004369.4(COL6A3):c.878T>C (p.Met293Thr)

Gene: COL6A3 (collagen type VI alpha 3 chain; minus strand). Cytogenetic location: 2q37.3.
Variant type: single nucleotide variant.
Coding change: c.878T>C on transcript NM_004369.4 (MANE Select); coding-DNA position 878, T replaced by C.
Protein change: p.Met293Thr; replaces methionine 293 with threonine.
Molecular consequence: missense variant. On other transcripts: intron variant (2).
Genome position (GRCh38, 1-based): chr2:237,388,016, A>G on the plus strand (T>C on the coding strand, the complement: COL6A3 is on the minus strand). VCF-style: chr2-237388016-A-G. GRCh37 (hg19) VCF-style: chr2-238296659-A-G.
Other names: c.260T>C, p.Met87Thr (NM_057165.5, NM_057167.4); c.92-6517T>C (NM_057166.5, NM_057164.5); short protein forms M293T, M87T.
Identifiers: ClinVar variation 579493 (VCV000579493.11), dbSNP rs1361910233, ClinGen allele CA351223326.
Genomic context (GRCh38, chr2:237,388,016, plus strand): 5'-CCGAGGGCTTTCACTGCACCCAGAACCTGGGCCTTGGTGGAGTAGGTGTCCAAGGAGAAC[A>G]TGGTTCTGGGCTCATCGCTAAACTGGACCACCCCCACTCGGATCTGCTGAGTTCCAATTG-3'
Protein context (NP_004360.2, residues 283-303): VVQFSDEPRT[Met293Thr]FSLDTYSTKA